The following is an entry in ClinVar:

ClinVar aggregate classification (germline): Uncertain significance. Review status: criteria provided, multiple submitters, no conflicts (2 of 4 stars). 3 submissions from 3 submitters: Uncertain significance (3). Last evaluated 2026-02-11.

Conditions:
Autosomal recessive Alport syndrome (ATS2). Also called: COL4A4 Alport Syndrome and Thin Basement Membrane Nephropathy; ALPORT SYNDROME 2, AUTOSOMAL RECESSIVE; Alport syndrome type 2; COL4A3-Related Nephropathy. Identifiers: Orphanet 63, Orphanet 88919, MedGen C4746745, MONDO:0008762, OMIM 203780.
Hematuria, benign familial, 1 (BFH1). Also called: THIN MEMBRANE NEPHROPATHY. Identifiers: MedGen CN376803, MONDO:0007709, OMIM 141200.
COL4A4-related disorder.

gnomAD v4.1: 6 of 1,613,522 alleles (0.00037%); highest among the groups gnomAD compares: African/African-American, 0.0053%; no homozygotes.

Submissions (3):

PreventionGenetics, part of Exact Sciences
Classification: Uncertain significance for COL4A4-related condition. Last evaluated: 2026-02-11. Review status: criteria provided, single submitter. Criteria: ACMG Guidelines, 2015. Collection method: clinical testing. Allele origin: germline.
Comment: The COL4A4 c.1358C>T variant is predicted to result in the amino acid substitution p.Pro453Leu. To our knowledge, this variant has not been reported in the literature. This variant is reported in 0.0065% of alleles in individuals of African descent in gnomAD. At this time, the clinical significance of this variant is uncertain due to the absence of conclusive functional and genetic evidence.

Labcorp Genetics (formerly Invitae), Labcorp
Classification: Uncertain significance. Last evaluated: 2025-01-01. Review status: criteria provided, single submitter. Criteria: Invitae Variant Classification Sherloc (09022015). Collection method: clinical testing. Allele origin: germline.
Comment: This sequence change replaces proline, which is neutral and non-polar, with leucine, which is neutral and non-polar, at codon 453 of the COL4A4 protein (p.Pro453Leu). This variant is present in population databases (no rsID available, gnomAD 0.007%). This variant has not been reported in the literature in individuals affected with COL4A4-related conditions. Invitae Evidence Modeling of protein sequence and biophysical properties (such as structural, functional, and spatial information, amino acid conservation, physicochemical variation, residue mobility, and thermodynamic stability) indicates that this missense variant is not expected to disrupt COL4A4 protein function with a negative predictive value of 95%. In summary, the available evidence is currently insufficient to determine the role of this variant in disease. Therefore, it has been classified as a Variant of Uncertain Significance.

Fulgent Genetics
Classification: Uncertain significance for Hematuria, benign familial, 1; Autosomal recessive Alport syndrome. Last evaluated: 2024-02-04. Review status: criteria provided, single submitter. Criteria: ACMG Guidelines, 2015. Collection method: clinical testing. Allele origin: germline.

NM_000092.5(COL4A4):c.1358C>T (p.Pro453Leu)

Gene: COL4A4 (collagen type IV alpha 4 chain; minus strand). Cytogenetic location: 2q36.3.
Variant type: single nucleotide variant.
Coding change: c.1358C>T on transcript NM_000092.5 (MANE Select); coding-DNA position 1358, C replaced by T.
Protein change: p.Pro453Leu; replaces proline 453 with leucine.
Molecular consequence: missense variant.
Genome position (GRCh38, 1-based): chr2:227,094,136, G>A on the plus strand (C>T on the coding strand, the complement: COL4A4 is on the minus strand). VCF-style: chr2-227094136-G-A. GRCh37 (hg19) VCF-style: chr2-227958852-G-A.
Other names: short protein forms P453L.
Identifiers: ClinVar variation 3585885 (VCV003585885.4).